The following is an entry in ClinVar:

ClinVar aggregate classification (germline): Uncertain significance (1 of 4 stars; one submission).

Conditions:
Hereditary cancer-predisposing syndrome. Also called: Tumor predisposition; Hereditary Cancer Syndrome; Neoplastic Syndromes, Hereditary; Hereditary neoplastic syndrome. Identifiers: Orphanet 140162, MedGen C0027672, MeSH D009386, MONDO:0015356.

Allele frequency attached by ClinVar (database versions not stated): gnomAD below 0.00001 and 0.00001; gnomAD exomes below 0.00001 and 0.00001.
gnomAD v4.1: 7 of 1,613,742 alleles (0.00043%); highest among the groups gnomAD compares: South Asian, 0.0077%; no homozygotes.

Submission:

Ambry Genetics
Classification: Uncertain significance for Hereditary cancer-predisposing syndrome. Last evaluated: 2019-11-19. Review status: criteria provided, single submitter. Criteria: Ambry Variant Classification Scheme 2023. Collection method: clinical testing. Allele origin: germline.
Comment: The p.S895T variant (also known as c.2683T>A), located in coding exon 16 of the RAD50 gene, results from a T to A substitution at nucleotide position 2683. The serine at codon 895 is replaced by threonine, an amino acid with similar properties. This amino acid position is not well conserved in available vertebrate species. In addition, this alteration is predicted to be tolerated by in silico analysis. Since supporting evidence is limited at this time, the clinical significance of this alteration remains unclear.

NM_005732.4(RAD50):c.2683T>A (p.Ser895Thr)

Gene: RAD50 (RAD50 double strand break repair protein; plus strand). Cytogenetic location: 5q31.1.
Variant type: single nucleotide variant.
Coding change: c.2683T>A on transcript NM_005732.4 (MANE Select); coding-DNA position 2683, T replaced by A.
Protein change: p.Ser895Thr; replaces serine 895 with threonine.
Molecular consequence: missense variant.
Genome position (GRCh38, 1-based): chr5:132,604,964, T>A. VCF-style: chr5-132604964-T-A. GRCh37 (hg19) VCF-style: chr5-131940656-T-A.
Other names: short protein forms S895T.
Identifiers: ClinVar variation 821674 (VCV000821674.4), dbSNP rs1273322216, ClinGen allele CA360956866.